The following is an entry in ClinVar:

ClinVar aggregate classification (germline): Likely benign (1 of 4 stars; one submission).

Allele frequency attached by ClinVar (database versions not stated): gnomAD exomes below 0.00001.
gnomAD v4.1: 1 of 1,211,709 alleles (0.000083%); highest among the groups gnomAD compares: Non-Finnish European, 0.00011%; no homozygotes.

Submission:

CeGaT Center for Human Genetics Tuebingen
Classification: Likely benign. Last evaluated: 2022-12-01. Review status: criteria provided, single submitter. Criteria: CeGaT Center For Human Genetics Tuebingen Variant Classification Criteria Version 2. Collection method: clinical testing. Allele origin: germline. Affected: yes. Observed: 1 variant allele.
Comment: AFF2: PM2:Supporting, BP4, BP7

NM_002025.4(AFF2):c.1692A>G (p.Gln564=)

Gene: AFF2 (ALF transcription elongation factor 2; plus strand). Cytogenetic location: Xq28.
Variant type: single nucleotide variant.
Coding change: c.1692A>G on transcript NM_002025.4 (MANE Select); coding-DNA position 1692, A replaced by G.
Protein change: p.Gln564=; no amino-acid change (glutamine 564 retained).
Molecular consequence: synonymous variant.
Genome position (GRCh38, 1-based): chrX:148,955,737, A>G. VCF-style: chrX-148955737-A-G. GRCh37 (hg19) VCF-style: chrX-148037267-A-G.
Other names: c.1593A>G, p.Gln531= (NM_001169122.2); c.1662A>G, p.Gln554= (NM_001169123.2); c.1587A>G, p.Gln529= (NM_001169124.2); c.1575A>G, p.Gln525= (NM_001169125.2); c.615A>G, p.Gln205= (NM_001170628.1).
Identifiers: ClinVar variation 2661604 (VCV002661604.24), dbSNP rs2521890855, ClinGen allele CA519173577.